The following is an entry in ClinVar:

NM_001114753.3(ENG):c.523G>A (p.Ala175Thr)

Gene: ENG (endoglin; minus strand). Cytogenetic location: 9q34.11.
Variant type: single nucleotide variant.
Coding change: c.523G>A on transcript NM_001114753.3 (MANE Select); coding-DNA position 523, G replaced by A.
Protein change: p.Ala175Thr; replaces alanine 175 with threonine.
Molecular consequence: missense variant. On other transcripts: 5 prime UTR variant (1).
Genome position (GRCh38, 1-based): chr9:127,826,510, C>T on the plus strand (G>A on the coding strand, the complement: ENG is on the minus strand). VCF-style: chr9-127826510-C-T. GRCh37 (hg19) VCF-style: chr9-130588789-C-T.
Other names: c.523G>A, p.Ala175Thr (NM_000118.4, NM_001406715.1); c.-24G>A (NM_001278138.2); short protein forms A175T.
Identifiers: ClinVar variation 1746287 (VCV001746287.3), dbSNP rs1588583488, ClinGen allele CA374984093.
Genomic context (GRCh38, chr9:127,826,510, plus strand): 5'-GGAGCTCAGATTCCTCCTGAGCAGTATCATGAGCCCAGAGAGGTTGCTGGGGAAACTGAC[C>T]TTGGCCCAGTCGGAGGAGGATGCTCTGGGGGTCATTCAGCTCAGCAGCAGAGGTGATGGG-3'
Protein context (NP_001108225.1, residues 165-185): PQSILLRLGQ[Ala175Thr]QGSLSFCMLE

ClinVar aggregate classification (germline): Pathogenic. Review status: criteria provided, multiple submitters, no conflicts (2 of 4 stars). 2 submissions from 2 submitters: Pathogenic (2). Last evaluated 2024-02-05.

Conditions:
Hereditary hemorrhagic telangiectasia (HHT). Also called: ORW DISEASE; Osler Weber Rendu syndrome; OSLER-RENDU-WEBER DISEASE; Osler hemorrhagic telangiectasia syndrome. Identifiers: Orphanet 774, MedGen C0039445, MONDO:0019180. Disease mechanism: loss of function.
Cardiovascular phenotype. Identifiers: MedGen CN230736.

Submissions (2):

Molecular Genetics, Royal Melbourne Hospital
Classification: Pathogenic for Hereditary hemorrhagic telangiectasia. Last evaluated: 2024-02-05. Review status: criteria provided, single submitter. Criteria: ACMG Guidelines, 2015. Collection method: clinical testing. Allele origin: germline. Inheritance: Autosomal dominant inheritance. Affected: yes.
Comment: This sequence change in ENG is predicted to replace alanine with threonine at codon 175, p.(Ala175Thr). The alanine residue is highly conserved in limited vertebrates (100 vertebrates, Multiz Alignments), and is located in the extracellular OR2 domain. There is a small physicochemical difference between alanine and threonine. This variant also falls at the last nucleotide of exon 4 of the ENG coding sequence, which is part of the consensus splice site for this exon. This variant is absent from the population database gnomAD v4.0. This variant has been reported in multiple probands with suspected hereditary haemorrhagic telangiectasia (HHT) with at least two probands with a clinical diagnosis (PMID: 16752392, 32503579; Royal Melbourne Hospital). Computational evidence predicts an impact on splicing (SpliceAI) for the nucleotide change, and predicts a benign effect for the missense substitution (REVEL = 0.05). This prediction is confirmed by RNA assays in patient cells demonstrating complete loss of canonical splicing from the variant allele (RNA4RD - unpublished data). Two alternative nucleotide changes at the same position (c.523G>C, c.523G>T) with a similar predicted impact on splicing, have been demonstrated to impact splicing and identified in individuals with HHT (PMID: 12673790, 29171923). Based on the classification scheme RMH Modified ACMG Guidelines v1.6.1, this variant is classified as PATHOGENIC. Following criteria are met: PVS1, PS4_Moderate, PM2_Supporting.

Ambry Genetics
Classification: Pathogenic for Cardiovascular phenotype. Last evaluated: 2019-10-21. Review status: criteria provided, single submitter. Criteria: Ambry Variant Classification Scheme 2023. Collection method: clinical testing. Allele origin: germline.
Comment: The c.523G>A pathogenic mutation (also known as p.A175T), located in coding exon 4 of the ENG gene, results from a G to A substitution at nucleotide position 523. The amino acid change results in alanine to threonine at codon 175, an amino acid with similar properties. However, this change occurs in the last base pair of coding exon 4, which makes it likely to have some effect on normal mRNA splicing. This variant was identified in an individual with epistaxis, arteriovenous malformation, and a family history of hereditary hemorrhagic telangiectasia (HHT) (Bossler AD et al. Hum. Mutat., 2006 Jul;27:667-75). A different alteration at the same nucleotide position, c.523G>C, has been detected in an individual with epistaxis, pulmonary arteriovenous malformation, and reduced endoglin activity compared to wildtype (Cymerman U et al. Hum. Mutat., 2003 May;21:482-92). Based on the supporting evidence, this alteration is interpreted as a disease-causing mutation.

Literature cited by the submitters: PubMed 12673790 (cited by Molecular Genetics, Royal Melbourne Hospital and Ambry Genetics); PubMed 16752392 (cited by Molecular Genetics, Royal Melbourne Hospital and Ambry Genetics); PubMed 29171923 (cited by Molecular Genetics, Royal Melbourne Hospital); PubMed 32503579 (cited by Molecular Genetics, Royal Melbourne Hospital).